The following is an entry in ClinVar:

NM_006204.4(PDE6C):c.221del (p.Gly74fs)

Gene: PDE6C (phosphodiesterase 6C; plus strand). Cytogenetic location: 10q23.33.
Variant type: Deletion.
Coding change: c.221del on transcript NM_006204.4 (MANE Select); coding-DNA position 221, one base deleted (G; older notation c.221delG).
Protein change: p.Gly74fs; shifts the reading frame from glycine 74.
Molecular consequence: frameshift variant.
Genome position (GRCh38, 1-based): chr10:93,612,946, G deleted; the last of 6 consecutive G bases (chr10:93,612,941-93,612,946); deleting any one gives the same sequence. VCF-style (leftmost placement, unchanged base first): chr10-93612940-AG-A. GRCh37 (hg19) VCF-style: chr10-95372697-AG-A.
Other names: short protein forms G74fs.
Identifiers: ClinVar variation 1995570 (VCV001995570.4), dbSNP rs770812539, ClinGen allele CA5609778.

ClinVar aggregate classification (germline): Pathogenic (1 of 4 stars; one submission).

Submission:

Labcorp Genetics (formerly Invitae), Labcorp
Classification: Pathogenic. Last evaluated: 2024-05-10. Review status: criteria provided, single submitter. Criteria: Invitae Variant Classification Sherloc (09022015). Collection method: clinical testing. Allele origin: germline.
Comment: This sequence change creates a premature translational stop signal (p.Gly74Alafs*69) in the PDE6C gene. It is expected to result in an absent or disrupted protein product. Loss-of-function variants in PDE6C are known to be pathogenic (PMID: 19887631, 23776498, 26103963, 30080950). The frequency data for this variant in the population databases is considered unreliable, as metrics indicate poor data quality at this position in the gnomAD database. This variant has not been reported in the literature in individuals affected with PDE6C-related conditions. ClinVar contains an entry for this variant (Variation ID: 1995570). For these reasons, this variant has been classified as Pathogenic.

Literature cited by the submitters: PubMed 19887631; PubMed 23776498; PubMed 26103963; PubMed 30080950.